The following is an entry in ClinVar:

ClinVar aggregate classification (germline): Uncertain significance. Review status: criteria provided, multiple submitters, no conflicts (2 of 4 stars). 2 submissions from 2 submitters: Uncertain significance (2). Last evaluated 2024-05-12.

Conditions:
Cardiovascular phenotype. Identifiers: MedGen CN230736.

gnomAD v4.1: 1 of 1,611,612 alleles (0.000062%); highest among the groups gnomAD compares: South Asian, 0.0011%; no homozygotes.

Submissions (2):

Ambry Genetics
Classification: Uncertain significance for Cardiovascular phenotype. Last evaluated: 2024-05-12. Review status: criteria provided, single submitter. Criteria: Ambry Variant Classification Scheme 2023. Collection method: clinical testing. Allele origin: germline.
Comment: The p.L81P variant (also known as c.242T>C), located in coding exon 1 of the RASA1 gene, results from a T to C substitution at nucleotide position 242. The leucine at codon 81 is replaced by proline, an amino acid with similar properties. This amino acid position is conserved. In addition, this alteration is predicted to be tolerated by in silico analysis. Based on the available evidence, the clinical significance of this variant remains unclear.

Blueprint Genetics
Classification: Uncertain significance. Last evaluated: 2023-09-20. Review status: criteria provided, single submitter. Criteria: ACMG Guidelines, 2015. Collection method: clinical testing. Allele origin: germline.

NM_002890.3(RASA1):c.242T>C (p.Leu81Pro)

Gene: RASA1 (RAS p21 protein activator 1; plus strand). Cytogenetic location: 5q14.3.
Variant type: single nucleotide variant.
Coding change: c.242T>C on transcript NM_002890.3 (MANE Select); coding-DNA position 242, T replaced by C.
Protein change: p.Leu81Pro; replaces leucine 81 with proline.
Molecular consequence: missense variant.
Genome position (GRCh38, 1-based): chr5:87,268,693, T>C. VCF-style: chr5-87268693-T-C. GRCh37 (hg19) VCF-style: chr5-86564510-T-C.
Other names: short protein forms L81P.
Identifiers: ClinVar variation 3312831 (VCV003312831.2).
Genomic context (GRCh38, chr5:87,268,693, plus strand): 5'-TGGGTGGCGGAGCCGCTTTGGGGTCAGAGTTCCTAGGAGCCGGGTCTGTGGCAGGGGCAC[T>C]GGGGGGAGCTGGACTGACAGGGGGAGGTACTGCTGCTGGCGTAGCTGGTGCTGCTGCTGG-3'
Protein context (NP_002881.1, residues 71-91): FLGAGSVAGA[Leu81Pro]GGAGLTGGGT